The following is an entry in ClinVar:

NM_002692.4(POLE2):c.385A>T (p.Met129Leu)

Gene: POLE2 (DNA polymerase epsilon 2, accessory subunit; minus strand). Cytogenetic location: 14q21.3.
Variant type: single nucleotide variant.
Coding change: c.385A>T on transcript NM_002692.4 (MANE Select); coding-DNA position 385, A replaced by T.
Protein change: p.Met129Leu; replaces methionine 129 with leucine.
Molecular consequence: missense variant.
Genome position (GRCh38, 1-based): chr14:49,674,155, T>A on the plus strand (A>T on the coding strand, the complement: POLE2 is on the minus strand). VCF-style: chr14-49674155-T-A. GRCh37 (hg19) VCF-style: chr14-50140873-T-A.
Other names: c.307A>T, p.Met103Leu (NM_001197330.2); c.385A>T, p.Met129Leu (NM_001197331.3, NM_001348384.2); c.154A>T, p.Met52Leu (NM_001348385.2); c.385A>T (NM_002692.3); short protein forms M129L, M52L, M103L.
Identifiers: ClinVar variation 1382449 (VCV001382449.9), dbSNP rs759022429, ClinGen allele CA7173642.

ClinVar aggregate classification (germline): Conflicting classifications of pathogenicity. Review status: criteria provided, conflicting classifications (1 of 4 stars). 2 submissions from 2 submitters: Uncertain significance (1); Likely benign (1). Last evaluated 2025-05-16.

Allele frequency attached by ClinVar (database versions not stated): ExAC 0.00001; gnomAD exomes 0.00001; TOPMed 0.00002.

Submissions (2):

Labcorp Genetics (formerly Invitae), Labcorp
Classification: Uncertain significance. Last evaluated: 2025-05-16. Review status: criteria provided, single submitter. Criteria: Invitae Variant Classification Sherloc (09022015). Collection method: clinical testing. Allele origin: germline.
Comment: This sequence change replaces methionine, which is neutral and non-polar, with leucine, which is neutral and non-polar, at codon 129 of the POLE2 protein (p.Met129Leu). This variant is present in population databases (rs759022429, gnomAD 0.006%). This variant has not been reported in the literature in individuals affected with POLE2-related conditions. ClinVar contains an entry for this variant (Variation ID: 1382449). An algorithm developed to predict the effect of missense changes on protein structure and function outputs the following: PolyPhen-2: "Benign". The leucine amino acid residue is found in multiple mammalian species, which suggests that this missense change does not adversely affect protein function. In summary, the available evidence is currently insufficient to determine the role of this variant in disease. Therefore, it has been classified as a Variant of Uncertain Significance.

Ambry Genetics
Classification: Likely benign. Last evaluated: 2023-04-07. Review status: criteria provided, single submitter. Criteria: Ambry Variant Classification Scheme 2023. Collection method: clinical testing. Allele origin: germline.